The following is an entry in ClinVar:

NM_001267550.2(TTN):c.77604T>G (p.Tyr25868Ter)

Genes: TTN-AS1 (TTN antisense RNA 1; plus strand), TTN (titin; minus strand). Cytogenetic location: 2q31.2.
Variant type: single nucleotide variant.
Coding change: c.77604T>G on transcript NM_001267550.2 (MANE Select); coding-DNA position 77604, T replaced by G.
Protein change: p.Tyr25868Ter; replaces tyrosine 25868 with a stop codon.
Molecular consequence: nonsense.
Genome position (GRCh38, 1-based): chr2:178,568,528, A>C on the plus strand (T>G on the coding strand, the complement: TTN is on the minus strand). VCF-style: chr2-178568528-A-C. GRCh37 (hg19) VCF-style: chr2-179433255-A-C.
Other names: c.72681T>G, p.Tyr24227Ter (NM_001256850.1); c.50409T>G, p.Tyr16803Ter (NM_003319.4); c.69900T>G, p.Tyr23300Ter (NM_133378.4); c.50784T>G, p.Tyr16928Ter (NM_133432.3); c.50985T>G, p.Tyr16995Ter (NM_133437.4); short protein forms Y16803*, Y16928*, Y16995*, Y23300*, Y24227*, Y25868*.
Identifiers: ClinVar variation 1333109 (VCV001333109.1), dbSNP rs752137856, ClinGen allele CA349605994.

ClinVar aggregate classification (germline): Likely pathogenic (1 of 4 stars; one submission).

Conditions:
Dilated cardiomyopathy 1G (CMD1G). Identifiers: Orphanet 154, MedGen C1858763, MONDO:0011400, OMIM 604145.

Submission:

Clinical Genetics Laboratory, Region Ostergotland
Classification: Likely pathogenic for Dilated cardiomyopathy 1G. Last evaluated: 2021-03-31. Review status: criteria provided, single submitter. Criteria: ACMG Guidelines, 2015. Collection method: clinical testing. Allele origin: germline. Affected: yes.
Comment: PVS1, PM2